The following is an entry in ClinVar:

NM_021038.5(MBNL1):c.1093-1147C>T

Gene: MBNL1 (muscleblind like splicing regulator 1; plus strand). Cytogenetic location: 3q25.2.
Variant type: single nucleotide variant.
Coding change: c.1093-1147C>T on transcript NM_021038.5 (MANE Select); 1147 bases into the intron before coding-DNA position 1093, C replaced by T.
Molecular consequence: intron variant. On other transcripts: non-coding transcript variant (6).
Genome position (GRCh38, 1-based): chr3:152,458,124, C>T. VCF-style: chr3-152458124-C-T. GRCh37 (hg19) VCF-style: chr3-152175913-C-T.
Other names: c.1240-1147C>T (NM_001376819.1, NM_001376818.1); c.1186-1147C>T (NM_001387781.1, NM_001387782.1, NM_001387783.1); c.1147-1147C>T (NM_001387785.1, NM_001376823.1, NM_001376822.1 and 2 more transcripts); c.1093-1147C>T (NM_001376826.1, NM_001376829.1, NM_001376827.1 and 2 more transcripts); c.998-1147C>T (NM_001387792.1, NM_207297.2, NM_001387793.1 and 1 more transcripts); c.988-1147C>T (NM_001387788.1, NM_001387789.1, NM_001387790.1); c.889-1147C>T (NM_001387801.1, NM_207295.2, NM_001387803.1 and 1 more transcripts); c.817-1147C>T (NM_001387811.1, NM_001376840.1, NM_001376842.1 and 9 more transcripts); and 30 more.
Identifiers: ClinVar variation 2672966 (VCV002672966.23), dbSNP rs774126864, ClinGen allele CA2672231.

ClinVar aggregate classification (germline): Likely benign (1 of 4 stars; one submission).

Allele frequency attached by ClinVar (database versions not stated): ExAC 0.00002; TOPMed 0.00002; gnomAD exomes 0.00003.
gnomAD v4.1: 38 of 1,613,618 alleles (0.0024%); highest among the groups gnomAD compares: South Asian, 0.0099%; no homozygotes.

Submission:

CeGaT Center for Human Genetics Tuebingen
Classification: Likely benign. Last evaluated: 2023-11-01. Review status: criteria provided, single submitter. Criteria: CeGaT Center For Human Genetics Tuebingen Variant Classification Criteria Version 2. Collection method: clinical testing. Allele origin: germline. Affected: yes. Observed: 1 variant allele.
Comment: MBNL1: BP4